The following is an entry in ClinVar:

NM_005461.5(MAFB):c.203C>T (p.Pro68Leu)

Gene: MAFB (MAF bZIP transcription factor B; minus strand). Cytogenetic location: 20q12.
Variant type: single nucleotide variant.
Coding change: c.203C>T on transcript NM_005461.5 (MANE Select); coding-DNA position 203, C replaced by T.
Protein change: p.Pro68Leu; replaces proline 68 with leucine.
Molecular consequence: missense variant.
Genome position (GRCh38, 1-based): chr20:40,688,648, G>A on the plus strand (C>T on the coding strand, the complement: MAFB is on the minus strand). VCF-style: chr20-40688648-G-A. GRCh37 (hg19) VCF-style: chr20-39317288-G-A.
Other names: short protein forms P68L.
Identifiers: ClinVar variation 2501713 (VCV002501713.3), dbSNP rs2515463612, ClinGen allele CA408941679.
Genomic context (GRCh38, chr20:40,688,648, plus strand): 5'-ATCCAGTACAGATCCTCGAGGTGTGTCTTCTGTTCGGTCGGGCTGAAGCTGGGCGACGAG[G>A]GCACGGAGCTACACGGAGTGCTGAGCGGTGTGGAGGACACCGAGCCGGCTGGCTGCAGGC-3'
Protein context (NP_005452.2, residues 58-78): TPLSTPCSSV[Pro68Leu]SSPSFSPTEQ

ClinVar aggregate classification (germline): Likely pathogenic. Review status: criteria provided, multiple submitters, no conflicts (2 of 4 stars). 2 submissions from 2 submitters: Likely pathogenic (2).

Conditions:
Multicentric carpo-tarsal osteolysis with or without nephropathy. Also called: MULTICENTRIC CARPOTARSAL OSTEOLYSIS SYNDROME; MULTICENTRIC OSTEOLYSIS, AUTOSOMAL DOMINANT; Carnevale Canun Mendoza syndrome; Multicentric Osteolysis of Carpal Bones and Nephropathy; OSTEOLYSIS, HEREDITARY, OF CARPAL BONES WITH OR WITHOUT NEPHROPATHY; Multicentric Carpotarsal Osteolysis with or without Nephropathy. Identifiers: Orphanet 2774, MedGen C2674705, MONDO:0008152, OMIM 166300.

Submissions (2):

Division of Medical Genetics, Department of Pediatrics, All India Institute of Medical Sciences, New Delhi
Classification: Likely pathogenic for Multicentric carpo-tarsal osteolysis with or without nephropathy. Review status: criteria provided, single submitter. Criteria: ACMG Guidelines, 2015. Collection method: research. Allele origin: de novo. Inheritance: Autosomal dominant inheritance. Affected: yes. Observed: 1 heterozygote.
Comment: c.203C>T (Pro68Leu) is located in the amino-terminal transcriptional activation domain of MAFB. Variants altering amino acids 54-71 exhibit a dominant negative effect resulting in enhanced osteoclastogenesis and bone resorption (Wu et al., 2021).

Juno Genomics, Hangzhou Juno Genomics, Inc
Classification: Likely pathogenic for Multicentric carpo-tarsal osteolysis with or without nephropathy. Review status: criteria provided, single submitter. Criteria: ACMG Guidelines, 2015. Collection method: clinical testing. Allele origin: germline. Affected: yes.
Comment: Absent from controls (or at extremely low frequency if recessive) in Genome Aggregation Database.;Multiple lines of computational evidence support a deleterious effect on the gene or gene product.;Located in a mutational hot spot and/or critical and well-established functional domain without benign variation.;The prevalence of the variant in affected individuals is significantly increased compared to the prevalence in controls.;Patient's phenotype or family history is highly specific for a disease with a single genetic etiology.

Literature cited by the submitters: PubMed 34722426 (cited by Division of Medical Genetics, Department of Pediatrics, All India Institute of Medical Sciences, New Delhi).